The following is an entry in ClinVar:

ClinVar aggregate classification (germline): Likely benign. Review status: criteria provided, multiple submitters, no conflicts (2 of 4 stars). 3 submissions from 3 submitters: Likely benign (3). Last evaluated 2026-04-01.

Conditions:
Welander distal myopathy (WDM). Also called: MUSCULAR DYSTROPHY, DISTAL, LATE-ONSET, AUTOSOMAL DOMINANT; Gower's muscular dystrophy; Welander distal myopathy, Swedish type; Distal myopathy, Swedish type. Identifiers: Orphanet 603, MedGen C0221054, MONDO:0011466, OMIM 604454.

Allele frequency attached by ClinVar (database versions not stated): gnomAD 0.00008; gnomAD exomes 0.00008 and 0.00010; TOPMed 0.00008; ExAC 0.00011; 1000 Genomes Project 30x 0.00016; 1000 Genomes Project 0.00020.
gnomAD v4.1: 129 of 1,591,842 alleles (0.0081%); highest among the groups gnomAD compares: Middle Eastern, 0.017%; no homozygotes.

Submissions (3):

CeGaT Center for Human Genetics Tuebingen
Classification: Likely benign. Last evaluated: 2026-04-01. Review status: criteria provided, single submitter. Criteria: CeGaT Center For Human Genetics Tuebingen Variant Classification Criteria Version 2. Collection method: clinical testing. Allele origin: germline. Affected: yes. Observed: 1 variant allele.
Comment: TIA1: BP4, BP7

Labcorp Genetics (formerly Invitae), Labcorp
Classification: Likely benign for Welander distal myopathy. Last evaluated: 2026-01-31. Review status: criteria provided, single submitter. Criteria: Invitae Variant Classification Sherloc (09022015). Collection method: clinical testing. Allele origin: germline.

Blueprint Genetics
Classification: Likely benign. Last evaluated: 2023-11-06. Review status: criteria provided, single submitter. Criteria: ACMG Guidelines, 2015. Collection method: clinical testing. Allele origin: germline.

NM_022173.4(TIA1):c.738T>C (p.Phe246=)

Gene: TIA1 (TIA1 cytotoxic granule associated RNA binding protein; minus strand). Cytogenetic location: 2p13.3.
Variant type: single nucleotide variant.
Coding change: c.738T>C on transcript NM_022173.4 (MANE Select); coding-DNA position 738, T replaced by C.
Protein change: p.Phe246=; no amino-acid change (phenylalanine 246 retained).
Molecular consequence: synonymous variant. On other transcripts: non-coding transcript variant (17).
Genome position (GRCh38, 1-based): chr2:70,216,234, A>G on the plus strand (T>C on the coding strand, the complement: TIA1 is on the minus strand). VCF-style: chr2-70216234-A-G. GRCh37 (hg19) VCF-style: chr2-70443366-A-G.
Other names: c.738T>C, p.Phe246= (NM_001351508.2, NM_001351516.2); c.711T>C, p.Phe237= (NM_001351509.2); c.705T>C, p.Phe235= (NM_001351510.2, NM_022037.4); c.627T>C, p.Phe209= (NM_001351511.1); c.600T>C, p.Phe200= (NM_001351512.1); c.594T>C, p.Phe198= (NM_001351513.1); c.510T>C, p.Phe170= (NM_001351514.2); c.435T>C, p.Phe145= (NM_001351515.2); and 1 more.
Identifiers: ClinVar variation 1144305 (VCV001144305.12), dbSNP rs567115305, ClinGen allele CA1697486.